The following is an entry in ClinVar:

ClinVar aggregate classification (germline): Uncertain significance. Review status: criteria provided, multiple submitters, no conflicts (2 of 4 stars). 2 submissions from 2 submitters: Uncertain significance (2). Last evaluated 2024-02-24.

Conditions:
Inborn genetic diseases. Identifiers: MedGen C0950123, MeSH D030342.

Allele frequency attached by ClinVar (database versions not stated): gnomAD 0.00001; gnomAD exomes 0.00001; ExAC 0.00002.
gnomAD v4.1: 9 of 1,596,020 alleles (0.00056%); highest among the groups gnomAD compares: Middle Eastern, 0.083%; no homozygotes.

Submissions (2):

Labcorp Genetics (formerly Invitae), Labcorp
Classification: Uncertain significance. Last evaluated: 2024-02-24. Review status: criteria provided, single submitter. Criteria: Invitae Variant Classification Sherloc (09022015). Collection method: clinical testing. Allele origin: germline.
Comment: This sequence change replaces glycine, which is neutral and non-polar, with glutamic acid, which is acidic and polar, at codon 279 of the SEC24D protein (p.Gly279Glu). This variant is present in population databases (rs777113461, gnomAD 0.002%). This variant has not been reported in the literature in individuals affected with SEC24D-related conditions. ClinVar contains an entry for this variant (Variation ID: 1466784). Algorithms developed to predict the effect of missense changes on protein structure and function output the following: SIFT: "Not Available"; PolyPhen-2: "Benign"; Align-GVGD: "Not Available". The glutamic acid amino acid residue is found in multiple mammalian species, which suggests that this missense change does not adversely affect protein function. In summary, the available evidence is currently insufficient to determine the role of this variant in disease. Therefore, it has been classified as a Variant of Uncertain Significance.

Ambry Genetics
Classification: Uncertain significance for Inborn genetic diseases. Last evaluated: 2021-10-22. Review status: criteria provided, single submitter. Criteria: Ambry Variant Classification Scheme 2023. Collection method: clinical testing. Allele origin: germline.

NM_014822.4(SEC24D):c.836G>A (p.Gly279Glu)

Gene: SEC24D (SEC24 homolog D, COPII component; minus strand). Cytogenetic location: 4q26.
Variant type: single nucleotide variant.
Coding change: c.836G>A on transcript NM_014822.4 (MANE Select); coding-DNA position 836, G replaced by A.
Protein change: p.Gly279Glu; replaces glycine 279 with glutamic acid.
Molecular consequence: missense variant.
Genome position (GRCh38, 1-based): chr4:118,805,920, C>T on the plus strand (G>A on the coding strand, the complement: SEC24D is on the minus strand). VCF-style: chr4-118805920-C-T. GRCh37 (hg19) VCF-style: chr4-119727075-C-T.
Other names: c.839G>A, p.Gly280Glu (NM_001318066.2); c.836G>A (NM_014822.2); short protein forms G280E, G279E.
Identifiers: ClinVar variation 1466784 (VCV001466784.6), dbSNP rs777113461, ClinGen allele CA3057416.